The following is an entry in ClinVar:

ClinVar aggregate classification (germline): Likely benign (1 of 4 stars; one submission).

Allele frequency attached by ClinVar (database versions not stated): gnomAD exomes 0.00003.

Submission:

CeGaT Center for Human Genetics Tuebingen
Classification: Likely benign. Last evaluated: 2023-08-01. Review status: criteria provided, single submitter. Criteria: CeGaT Center For Human Genetics Tuebingen Variant Classification Criteria Version 2. Collection method: clinical testing. Allele origin: germline. Affected: yes. Observed: 1 variant allele.
Comment: MUC6: BP4, BP7

NM_005961.3(MUC6):c.5235C>T (p.Thr1745=)

Gene: MUC6 (mucin 6, oligomeric mucus/gel-forming (gene/pseudogene); minus strand). Cytogenetic location: 11p15.5.
Variant type: single nucleotide variant.
Coding change: c.5235C>T on transcript NM_005961.3 (MANE Select); coding-DNA position 5235, C replaced by T.
Protein change: p.Thr1745=; no amino-acid change (threonine 1745 retained).
Molecular consequence: synonymous variant.
Genome position (GRCh38, 1-based): chr11:1,017,566, G>A on the plus strand (C>T on the coding strand, the complement: MUC6 is on the minus strand). VCF-style: chr11-1017566-G-A. GRCh37 (hg19) VCF-style: chr11-1017566-G-A.
Identifiers: ClinVar variation 2641106 (VCV002641106.24), dbSNP rs762660384, ClinGen allele CA5795632.